The following is an entry in ClinVar:

NM_014112.5(TRPS1):c.2609C>T (p.Pro870Leu)

Gene: TRPS1 (transcriptional repressor GATA binding 1; minus strand). Cytogenetic location: 8q23.3.
Variant type: single nucleotide variant.
Coding change: c.2609C>T on transcript NM_014112.5 (MANE Select); coding-DNA position 2609, C replaced by T.
Protein change: p.Pro870Leu; replaces proline 870 with leucine.
Molecular consequence: missense variant.
Genome position (GRCh38, 1-based): chr8:115,587,092, G>A on the plus strand (C>T on the coding strand, the complement: TRPS1 is on the minus strand). VCF-style: chr8-115587092-G-A. GRCh37 (hg19) VCF-style: chr8-116599319-G-A.
Other names: c.2582C>T, p.Pro861Leu (NM_001282902.3); c.2588C>T, p.Pro863Leu (NM_001282903.3); c.2570C>T, p.Pro857Leu (NM_001330599.2); short protein forms P857L, P861L, P863L, P870L.
Identifiers: ClinVar variation 1720417 (VCV001720417.5), dbSNP rs2536860495, ClinGen allele CA372064762.

ClinVar aggregate classification (germline): Uncertain significance (1 of 4 stars; one submission).

Conditions:
Trichorhinophalangeal syndrome, type III (TRPS3). Also called: SUGIO-KAJII SYNDROME. Identifiers: Orphanet 77258, MedGen C1860823, OMIM 190351, MONDO:0008597.
Trichorhinophalangeal dysplasia type I (TRPS1). Also called: TRICHORHINOPHALANGEAL SYNDROME, TYPE I; TRPS I. Identifiers: Orphanet 77258, MedGen C0432233, MONDO:0008596, OMIM 190350.

Submission:

Labcorp Genetics (formerly Invitae), Labcorp
Classification: Uncertain significance for Trichorhinophalangeal syndrome, type III; Trichorhinophalangeal dysplasia type I. Last evaluated: 2022-09-26. Review status: criteria provided, single submitter. Criteria: Invitae Variant Classification Sherloc (09022015). Collection method: clinical testing. Allele origin: germline.
Comment: Advanced modeling of protein sequence and biophysical properties (such as structural, functional, and spatial information, amino acid conservation, physicochemical variation, residue mobility, and thermodynamic stability) performed at Invitae indicates that this missense variant is not expected to disrupt TRPS1 protein function. In summary, the available evidence is currently insufficient to determine the role of this variant in disease. Therefore, it has been classified as a Variant of Uncertain Significance. This variant has not been reported in the literature in individuals affected with TRPS1-related conditions. This sequence change replaces proline, which is neutral and non-polar, with leucine, which is neutral and non-polar, at codon 870 of the TRPS1 protein (p.Pro870Leu). This variant is not present in population databases (gnomAD no frequency).